The following is an entry in ClinVar:

NM_014608.6(CYFIP1):c.3043-4C>G

Gene: CYFIP1 (cytoplasmic FMR1 interacting protein 1; minus strand). Cytogenetic location: 15q11.2.
Variant type: single nucleotide variant.
Coding change: c.3043-4C>G on transcript NM_014608.6 (MANE Select); 4 bases into the intron before coding-DNA position 3043, C replaced by G.
Molecular consequence: intron variant.
Genome position (GRCh38, 1-based): chr15:22,875,275, G>C on the plus strand (C>G on the coding strand, the complement: CYFIP1 is on the minus strand). VCF-style: chr15-22875275-G-C. GRCh37 (hg19) VCF-style: chr15-22997793-C-G.
Other names: NC_000015.9:g.22997793C>G; c.3145-4C>G (NM_001324119.2); c.3043-4C>G (NM_001324120.2, NM_001324123.3, NM_001287810.4); c.2677-4C>G (NM_001324125.3); c.2953-4C>G (NM_001324124.3); c.2941-4C>G (NM_001324126.3); c.1363-4C>G (NM_001324122.3); c.1750-4C>G (NM_001033028.3).
Identifiers: ClinVar variation 791593 (VCV000791593.12), dbSNP rs189070691, ClinGen allele CA7425362.

ClinVar aggregate classification (germline): Benign/Likely benign. Review status: criteria provided, multiple submitters, no conflicts (2 of 4 stars). 2 submissions from 2 submitters: Benign (1); Likely benign (1). Last evaluated 2025-06-01.

Allele frequency attached by ClinVar (database versions not stated): 1000 Genomes Project 30x 0.00031; 1000 Genomes Project 0.00040; ESP Exome Variant Server 0.00100; TOPMed 0.00116; gnomAD 0.00148 and 0.00149; gnomAD exomes 0.00177 and 0.00179; ExAC 0.00194.
gnomAD v4.1: 2,805 of 1,613,876 alleles (0.17%); highest among the groups gnomAD compares: Non-Finnish European, 0.19%; 9 homozygotes.

Submissions (3):

CeGaT Center for Human Genetics Tuebingen
Classification: Likely benign. Last evaluated: 2025-06-01. Review status: criteria provided, single submitter. Criteria: CeGaT Center For Human Genetics Tuebingen Variant Classification Criteria Version 2. Collection method: clinical testing. Allele origin: germline. Affected: yes. Observed: 1 variant allele.
Comment: CYFIP1: BP4

Labcorp Genetics (formerly Invitae), Labcorp
Classification: Benign. Last evaluated: 2018-07-06. Review status: criteria provided, single submitter. Criteria: Invitae Variant Classification Sherloc (09022015). Collection method: clinical testing. Allele origin: germline.

Dr. Peter K. Rogan Lab, Western University
No classification provided (evidence only). Condition: Clear cell carcinoma of kidney. Review status: no classification provided. Collection method: in vitro. Allele origin: not applicable. Functional consequence: retained intron. Not counted in ClinVar's aggregate classification.